The following is an entry in ClinVar:

NM_001374736.1(DST):c.13098C>T (p.Thr4366=)

Gene: DST (dystonin; minus strand). Cytogenetic location: 6p12.1.
Variant type: single nucleotide variant.
Coding change: c.13098C>T on transcript NM_001374736.1 (MANE Select); coding-DNA position 13098, C replaced by T.
Protein change: p.Thr4366=; no amino-acid change (threonine 4366 retained).
Molecular consequence: synonymous variant.
Genome position (GRCh38, 1-based): chr6:56,573,817, G>A on the plus strand (C>T on the coding strand, the complement: DST is on the minus strand). VCF-style: chr6-56573817-G-A. GRCh37 (hg19) VCF-style: chr6-56438615-G-A.
Other names: c.6741C>T, p.Thr2247= (NM_001144769.5); c.6327C>T, p.Thr2109= (NM_001144770.2); c.13098C>T, p.Thr4366= (NM_001374722.1); c.12465C>T, p.Thr4155= (NM_001374729.1); c.6207C>T, p.Thr2069= (NM_001374730.1, NM_001386100.1, NM_183380.4); c.13125C>T, p.Thr4375= (NM_001374734.1); c.5229C>T, p.Thr1743= (NM_015548.5).
Identifiers: ClinVar variation 2150486 (VCV002150486.4), dbSNP rs767527732, ClinGen allele CA3868281.

ClinVar aggregate classification (germline): Uncertain significance (1 of 4 stars; one submission).

Conditions:
Hereditary sensory and autonomic neuropathy type 6. Also called: Neuropathy, hereditary sensory and autonomic, type VI; HSAN VI. Identifiers: Orphanet 314381, MedGen C3539003, MONDO:0013839, OMIM 614653.
Epidermolysis bullosa simplex 3, localized or generalized intermediate, with BP230 deficiency (EBS3). Also called: Epidermolysis bullosa simplex due to BP230 deficiency; Epidermolysis bullosa simplex, autosomal recessive 2. Identifiers: Orphanet 412181, MedGen C3809470, MONDO:0014180, OMIM 615425.

Allele frequency attached by ClinVar (database versions not stated): TOPMed 0.00001.
gnomAD v4.1: 7 of 1,613,496 alleles (0.00043%); highest among the groups gnomAD compares: African/African-American, 0.004%; no homozygotes.

Submission:

Labcorp Genetics (formerly Invitae), Labcorp
Classification: Uncertain significance for Epidermolysis bullosa simplex 3, localized or generalized intermediate, with BP230 deficiency; Hereditary sensory and autonomic neuropathy type 6. Last evaluated: 2022-12-16. Review status: criteria provided, single submitter. Criteria: Invitae Variant Classification Sherloc (09022015). Collection method: clinical testing. Allele origin: germline.
Comment: In summary, the available evidence is currently insufficient to determine the role of this variant in disease. Therefore, it has been classified as a Variant of Uncertain Significance. Experimental studies and prediction algorithms are not available or were not evaluated, and the effect of this variant on mRNA splicing is currently unknown. This variant has not been reported in the literature in individuals affected with DST-related conditions. This variant is present in population databases (rs767527732, gnomAD 0.007%). This sequence change affects codon 1743 of the DST mRNA. It is a 'silent' change, meaning that it does not change the encoded amino acid sequence of the DST protein. The DST gene has multiple clinically relevant transcripts. This variant occurs in alternate transcript NM_015548.4, and corresponds to NM_001723.5:c.*41700C>T in the primary transcript.